The following is an entry in ClinVar:

NM_000136.3(FANCC):c.282_283del (p.Cys95fs)

Gene: FANCC (FA complementation group C; minus strand). Cytogenetic location: 9q22.32.
Variant type: Deletion.
Coding change: c.282_283del on transcript NM_000136.3 (MANE Select); coding-DNA positions 282 to 283, 2 bases deleted (AT; older notation c.282_283delAT).
Protein change: p.Cys95fs; shifts the reading frame from cysteine 95.
Molecular consequence: frameshift variant.
Genome position (GRCh38, 1-based): chr9:95,240,711-95,240,712, AT deleted on the plus strand (AT on the coding strand, the reverse complement: FANCC is on the minus strand); deleting any 2 consecutive bases within chr9:95,240,711-95,240,713 gives the same sequence; the c. name uses the placement nearest the transcript's 3' end. VCF-style (leftmost placement, unchanged base first): chr9-95240710-CAT-C. GRCh37 (hg19) VCF-style: chr9-98002992-CAT-C.
Other names: c.282_283del, p.Cys95fs (NM_001243743.2, NM_001243744.2); short protein forms C95fs.
Identifiers: ClinVar variation 1725275 (VCV001725275.2), dbSNP rs2542756207, ClinGen allele CA2580080697.

ClinVar aggregate classification (germline): Likely pathogenic (1 of 4 stars; one submission).

Conditions:
Fanconi anemia complementation group C (FANCC). Also called: FANCC-Related Fanconi Anemia; Fanconi anemia, group C; FANCONI PANCYTOPENIA, TYPE 3; FACC. Identifiers: Orphanet 84, MedGen C3468041, MONDO:0009213, OMIM 227645.

Submission:

Myriad Genetics, Inc.
Classification: Likely pathogenic for Fanconi anemia complementation group C. Last evaluated: 2022-03-15. Review status: criteria provided, single submitter. Criteria: Myriad Women's Health Autosomal Recessive and X-Linked Classification Criteria (2021). Collection method: clinical testing. Allele origin: unknown.
Comment: NM_000136.2(FANCC):c.282_283delAT(C95Lfs*4) is expected to be pathogenic in the context of Fanconi anemia, FANCC-related. This variant is predicted to lead to an abnormal or absent protein product due to the creation of a premature termination codon in FANCC, a gene where loss-of-function variants are known to be pathogenic. Please note: this variant was assessed in the context of healthy population screening.